The following is an entry in ClinVar:

NM_003978.5(PSTPIP1):c.478C>A (p.Arg160Ser)

Gene: PSTPIP1 (proline-serine-threonine phosphatase interacting protein 1; plus strand). Cytogenetic location: 15q24.3.
Variant type: single nucleotide variant.
Coding change: c.478C>A on transcript NM_003978.5 (MANE Select); coding-DNA position 478, C replaced by A.
Protein change: p.Arg160Ser; replaces arginine 160 with serine.
Molecular consequence: missense variant. On other transcripts: non-coding transcript variant (1).
Genome position (GRCh38, 1-based): chr15:77,028,614, C>A. VCF-style: chr15-77028614-C-A. GRCh37 (hg19) VCF-style: chr15-77320955-C-A.
Other names: p.Arg160Ser; c.478C>A, p.Arg160Ser (NM_001321135.2); c.451C>A, p.Arg151Ser (NM_001321136.2); c.673C>A, p.Arg225Ser (NM_001321137.1); short protein forms R151S, R160S, R225S.
Identifiers: ClinVar variation 999723 (VCV000999723.12), dbSNP rs1397291808, ClinGen allele CA393519867.

ClinVar aggregate classification (germline): Uncertain significance. Review status: criteria provided, multiple submitters, no conflicts (2 of 4 stars). 3 submissions from 3 submitters: Uncertain significance (3). Last evaluated 2025-06-12.

Conditions:
Autoinflammatory syndrome. Identifiers: Orphanet 93665, MedGen C3890737, MONDO:0019751.
Pyogenic arthritis-pyoderma gangrenosum-acne syndrome (PAPA). Also called: FAMILIAL RECURRENT ARTHRITIS; PAPA SYNDROME. Identifiers: Orphanet 69126, MedGen C1858361, MONDO:0011462, OMIM 604416.

Allele frequency attached by ClinVar (database versions not stated): gnomAD 0.00001.
gnomAD v4.1: 5 of 1,593,658 alleles (0.00031%); highest among the groups gnomAD compares: Non-Finnish European, 0.00034%; no homozygotes.

Submissions (3):

Labcorp Genetics (formerly Invitae), Labcorp
Classification: Uncertain significance for Pyogenic arthritis-pyoderma gangrenosum-acne syndrome. Last evaluated: 2025-06-12. Review status: criteria provided, single submitter. Criteria: Invitae Variant Classification Sherloc (09022015). Collection method: clinical testing. Allele origin: germline.
Comment: This sequence change replaces arginine, which is basic and polar, with serine, which is neutral and polar, at codon 160 of the PSTPIP1 protein (p.Arg160Ser). This variant is present in population databases (no rsID available, gnomAD 0.007%). This variant has not been reported in the literature in individuals affected with PSTPIP1-related conditions. ClinVar contains an entry for this variant (Variation ID: 999723). Invitae Evidence Modeling of protein sequence and biophysical properties (such as structural, functional, and spatial information, amino acid conservation, physicochemical variation, residue mobility, and thermodynamic stability) indicates that this missense variant is not expected to disrupt PSTPIP1 protein function with a negative predictive value of 80%. In summary, the available evidence is currently insufficient to determine the role of this variant in disease. Therefore, it has been classified as a Variant of Uncertain Significance.

Mayo Clinic Laboratories, Mayo Clinic
Classification: Uncertain significance. Last evaluated: 2022-12-16. Review status: criteria provided, single submitter. Criteria: ACMG Guidelines, 2015. Collection method: clinical testing. Allele origin: germline. Observed: 1 variant allele.
Comment: BP4

Genome Diagnostics Laboratory, The Hospital for Sick Children
Classification: Uncertain significance for Autoinflammatory syndrome. Last evaluated: 2022-01-17. Review status: criteria provided, single submitter. Criteria: ACMG Guidelines, 2015. Collection method: clinical testing. Allele origin: germline. Affected: yes.